The following is an entry in ClinVar:

NM_000702.4(ATP1A2):c.1369T>C (p.Cys457Arg)

Gene: ATP1A2 (ATPase Na+/K+ transporting subunit alpha 2; plus strand). Cytogenetic location: 1q23.2.
Variant type: single nucleotide variant.
Coding change: c.1369T>C on transcript NM_000702.4 (MANE Select); coding-DNA position 1369, T replaced by C.
Protein change: p.Cys457Arg; replaces cysteine 457 with arginine.
Molecular consequence: missense variant.
Genome position (GRCh38, 1-based): chr1:160,129,308, T>C. VCF-style: chr1-160129308-T-C. GRCh37 (hg19) VCF-style: chr1-160099098-T-C.
Other names: short protein forms C457R.
Identifiers: ClinVar variation 1308731 (VCV001308731.6), dbSNP rs758127903, ClinGen allele CA1194472.

ClinVar aggregate classification (germline): Uncertain significance. Review status: criteria provided, multiple submitters, no conflicts (2 of 4 stars). 2 submissions from 2 submitters: Uncertain significance (2). Last evaluated 2023-06-04.

Conditions:
Familial hemiplegic migraine. Identifiers: MedGen C0338484, MONDO:0000700.

Allele frequency attached by ClinVar (database versions not stated): gnomAD exomes below 0.00001 and 0.00001; ExAC 0.00001.
gnomAD v4.1: 12 of 1,614,170 alleles (0.00074%); highest among the groups gnomAD compares: Non-Finnish European, 0.00093%; no homozygotes.

Submissions (2):

Labcorp Genetics (formerly Invitae), Labcorp
Classification: Uncertain significance for Familial hemiplegic migraine. Last evaluated: 2023-06-04. Review status: criteria provided, single submitter. Criteria: Invitae Variant Classification Sherloc (09022015). Collection method: clinical testing. Allele origin: germline.
Comment: In summary, the available evidence is currently insufficient to determine the role of this variant in disease. Therefore, it has been classified as a Variant of Uncertain Significance. Advanced modeling of protein sequence and biophysical properties (such as structural, functional, and spatial information, amino acid conservation, physicochemical variation, residue mobility, and thermodynamic stability) has been performed at Invitae for this missense variant, however the output from this modeling did not meet the statistical confidence thresholds required to predict the impact of this variant on ATP1A2 protein function. ClinVar contains an entry for this variant (Variation ID: 1308731). This variant has not been reported in the literature in individuals affected with ATP1A2-related conditions. This variant is present in population databases (rs758127903, gnomAD 0.0009%). This sequence change replaces cysteine, which is neutral and slightly polar, with arginine, which is basic and polar, at codon 457 of the ATP1A2 protein (p.Cys457Arg).

GeneDx
Classification: Uncertain significance. Last evaluated: 2019-09-28. Review status: criteria provided, single submitter. Criteria: GeneDx Variant Classification Process June 2021. Collection method: clinical testing. Allele origin: germline. Affected: yes.
Comment: Not observed at a significant frequency in large population cohorts (Lek et al., 2016); In silico analysis, which includes protein predictors and evolutionary conservation, supports a deleterious effect; Has not been previously published as pathogenic or benign to our knowledge